The following is an entry in ClinVar:

NM_000095.3(COMP):c.832G>C (p.Glu278Gln)

Gene: COMP (cartilage oligomeric matrix protein; minus strand). Cytogenetic location: 19p13.11.
Variant type: single nucleotide variant.
Coding change: c.832G>C on transcript NM_000095.3 (MANE Select); coding-DNA position 832, G replaced by C.
Protein change: p.Glu278Gln; replaces glutamic acid 278 with glutamine.
Molecular consequence: missense variant.
Genome position (GRCh38, 1-based): chr19:18,788,445, C>G on the plus strand (G>C on the coding strand, the complement: COMP is on the minus strand). VCF-style: chr19-18788445-C-G. GRCh37 (hg19) VCF-style: chr19-18899254-C-G.
Other names: short protein forms E278Q.
Identifiers: ClinVar variation 2908388 (VCV002908388.3), dbSNP rs756649872, ClinGen allele CA306257763.

ClinVar aggregate classification (germline): Uncertain significance (1 of 4 stars; one submission).

Allele frequency attached by ClinVar (database versions not stated): TOPMed 0.00001.

Submission:

Labcorp Genetics (formerly Invitae), Labcorp
Classification: Uncertain significance. Last evaluated: 2023-04-15. Review status: criteria provided, single submitter. Criteria: Invitae Variant Classification Sherloc (09022015). Collection method: clinical testing. Allele origin: germline.
Comment: This variant is present in population databases (no rsID available, gnomAD 0.007%). In summary, the available evidence is currently insufficient to determine the role of this variant in disease. Therefore, it has been classified as a Variant of Uncertain Significance. Advanced modeling of protein sequence and biophysical properties (such as structural, functional, and spatial information, amino acid conservation, physicochemical variation, residue mobility, and thermodynamic stability) performed at Invitae indicates that this missense variant is not expected to disrupt COMP protein function. This variant has not been reported in the literature in individuals affected with COMP-related conditions. This sequence change replaces glutamic acid, which is acidic and polar, with glutamine, which is neutral and polar, at codon 278 of the COMP protein (p.Glu278Gln).